The following is an entry in ClinVar:

NM_000426.4(LAMA2):c.8703+1G>A

Gene: LAMA2 (laminin subunit alpha 2; plus strand). Cytogenetic location: 6q22.33.
Variant type: single nucleotide variant.
Coding change: c.8703+1G>A on transcript NM_000426.4 (MANE Select); the canonical splice donor site of the intron after coding-DNA position 8703, G replaced by A.
Molecular consequence: splice donor variant.
Genome position (GRCh38, 1-based): chr6:129,505,356, G>A. VCF-style: chr6-129505356-G-A. GRCh37 (hg19) VCF-style: chr6-129826501-G-A.
Other names: c.8691+1G>A (NM_001079823.2).
Identifiers: ClinVar variation 2734951 (VCV002734951.4), dbSNP rs1446002589, ClinGen allele CA365635080.
Genomic context (GRCh38, chr6:129,505,356, plus strand): 5'-GTGGGAATGCTGTATGTTGGTGGGTTACCCATCAACTACACTACCCGAAGAATTGGTCCA[G>A]TAAATATCTGATTTCTTCTTTATTACTTAAATATATGGCTGATTCATTTATTGATATATT-3'

ClinVar aggregate classification (germline): Pathogenic/Likely pathogenic. Review status: criteria provided, multiple submitters, no conflicts (2 of 4 stars). 2 submissions from 2 submitters: Pathogenic (1); Likely pathogenic (1). Last evaluated 2025-01-06.

Conditions:
LAMA2-related muscular dystrophy (LAMA2-RD). Also called: Laminin alpha 2-related dystrophy. Identifiers: MedGen C5679788, MONDO:0100228.

Allele frequency attached by ClinVar (database versions not stated): gnomAD 0.00001.
gnomAD v4.1: 1 of 1,609,138 alleles (0.000062%); highest among the groups gnomAD compares: Non-Finnish European, 0.000085%; no homozygotes.

Submissions (2):

Myriad Genetics, Inc.
Classification: Likely pathogenic for LAMA2-related muscular dystrophy. Last evaluated: 2025-01-06. Review status: criteria provided, single submitter. Criteria: Myriad Autosomal Dominant, Autosomal Recessive and X-Linked Classification Criteria (2023). Collection method: clinical testing. Allele origin: unknown.
Comment: NM_000426.3(LAMA2):c.8703+1G>A is a variant in a canonical splice site classified as likely pathogenic in the context of muscular dystrophy, LAMA2-related. c.8703+1G>A has been observed in cases with relevant disease (PMID: 27708273, 31069529). Relevant functional assessments of this variant are not available in the literature. c.8703+1G>A has not been observed in referenced population frequency databases. In summary, NM_000426.3(LAMA2):c.8703+1G>A is a variant in a canonical splice site that has been observed more frequently in cases with the relevant disease than in healthy populations. Please note: this variant was assessed in the context of healthy population screening.

Labcorp Genetics (formerly Invitae), Labcorp
Classification: Pathogenic for LAMA2-related muscular dystrophy. Last evaluated: 2023-07-25. Review status: criteria provided, single submitter. Criteria: Invitae Variant Classification Sherloc (09022015). Collection method: clinical testing. Allele origin: germline.
Comment: For these reasons, this variant has been classified as Pathogenic. Algorithms developed to predict the effect of sequence changes on RNA splicing suggest that this variant may disrupt the consensus splice site. Disruption of this splice site has been observed in individuals with muscular dystrophy (PMID: 27708273, 31069529). This variant is present in population databases (no rsID available, gnomAD 0.007%). This sequence change affects a donor splice site in intron 61 of the LAMA2 gene. It is expected to disrupt RNA splicing. Variants that disrupt the donor or acceptor splice site typically lead to a loss of protein function (PMID: 16199547), and loss-of-function variants in LAMA2 are known to be pathogenic (PMID: 18700894, 32904964).

Literature cited by the submitters: PubMed 27708273 (cited by Myriad Genetics, Inc. and Labcorp Genetics (formerly Invitae), Labcorp); PubMed 31069529 (cited by Myriad Genetics, Inc. and Labcorp Genetics (formerly Invitae), Labcorp); PubMed 16199547 (cited by Labcorp Genetics (formerly Invitae), Labcorp); PubMed 18700894 (cited by Labcorp Genetics (formerly Invitae), Labcorp); PubMed 32904964 (cited by Labcorp Genetics (formerly Invitae), Labcorp).